The following continues an entry in ClinVar:

NM_001042492.3(NF1):c.3436G>A (p.Val1146Ile)

Gene: NF1. ClinVar aggregate classification (germline): Conflicting classifications of pathogenicity. Uncertain significance (14); Likely benign (8).

Submissions 16 to 22 of 22:

Ambry Genetics
Classification: Likely benign for Cardiovascular phenotype; Hereditary cancer-predisposing syndrome. Last evaluated: 2018-05-04. Review status: criteria provided, single submitter. Criteria: Ambry Variant Classification Scheme 2023. Collection method: clinical testing. Allele origin: germline.

Illumina Laboratory Services, Illumina
Classification: Uncertain significance for Neurofibromatosis-Noonan syndrome. Last evaluated: 2017-04-27. Review status: criteria provided, single submitter. Criteria: ICSL Variant Classification Criteria 13 December 2019. Collection method: clinical testing. Allele origin: germline.

Illumina Laboratory Services, Illumina
Classification: Uncertain significance for Neurofibromatosis, type 1. Last evaluated: 2017-04-27. Review status: criteria provided, single submitter. Criteria: ICSL Variant Classification Criteria 13 December 2019. Collection method: clinical testing. Allele origin: germline.
Comment: This variant was observed as part of a predisposition screen in an ostensibly healthy population. A literature search was performed for the gene, cDNA change, and amino acid change (where applicable). Publications were found based on this search. However, the evidence from the literature, in combination with allele frequency data from public databases where available, was not sufficient to rule this variant in or out of causing disease. Therefore, this variant is classified as a variant of unknown significance.

Illumina Laboratory Services, Illumina
Classification: Uncertain significance for Neurofibromatosis, familial spinal. Last evaluated: 2017-04-27. Review status: criteria provided, single submitter. Criteria: ICSL Variant Classification Criteria 13 December 2019. Collection method: clinical testing. Allele origin: germline.

Illumina Laboratory Services, Illumina
Classification: Uncertain significance for Café-au-lait macules with pulmonary stenosis. Last evaluated: 2017-04-27. Review status: criteria provided, single submitter. Criteria: ICSL Variant Classification Criteria 13 December 2019. Collection method: clinical testing. Allele origin: germline.

Laboratory for Molecular Medicine, Mass General Brigham Personalized Medicine
Classification: Uncertain significance. Last evaluated: 2016-08-11. Review status: criteria provided, single submitter. Criteria: LMM Criteria. Collection method: clinical testing. Allele origin: germline. Observed: 1 variant allele.
Comment: The p.Val1164Ile variant in NF1 has been reported in 3 individuals with Neurofib romatosis type 1 (NF1; Trovo 2004, Mendelian Genes). This variant has also been identified in 11/66714 European chromosomes by the Exome Aggregation Consortium (ExAC; dbSNP rs201047812). An additional amino a cid change at this position (p.Val1164 Phe) has been reported to occur de novo i n two individuals with NF1 (Mendelian Genes), suggesting that a change at this p osition may not be tolerated. However, valine (Val) at position 1146 is not cons erved in evolutionary distant species, with multiple fish species carrying an is oleucine (Ile) at this position, and raising the possibility that a change at th is position may be tolerated. Additional computational prediction tools suggest that the p.Val1146Ile variant may not impact the protein, though this informatio n is not predictive enough to rule out pathogenicity. In summary, due to conflic ting data, the clinical significance of the p.Val1146Ile variant is uncertain.

Ambry Genetics
Classification: Likely benign for Hereditary cancer-predisposing syndrome. Last evaluated: 2015-12-06. Review status: criteria provided, single submitter. Criteria: Ambry Autosomal Dominant and X-Linked criteria (10/2015). Collection method: clinical testing. Allele origin: germline. Observed: 1 variant allele.
Comment: Does not segregate with disease in family study (genes with incomplete penetrance);in silico models in agreement (benign);Other data supporting benign classification

Literature cited by the submitters: PubMed 10678181 (cited by Women's Health and Genetics/Laboratory Corporation of America, LabCorp); PubMed 23460398 (cited by Women's Health and Genetics/Laboratory Corporation of America, LabCorp); PubMed 29872168 (cited by Women's Health and Genetics/Laboratory Corporation of America, LabCorp); PubMed 27793025 (cited by Women's Health and Genetics/Laboratory Corporation of America, LabCorp); PubMed 16138229 (cited by 4 submitters); PubMed 37751797 (cited by Women's Health and Genetics/Laboratory Corporation of America, LabCorp); PubMed 27069254 (cited by Women's Health and Genetics/Laboratory Corporation of America, LabCorp); PubMed 23656349 (cited by 3 submitters); PubMed 33471991 (cited by Quest Diagnostics Nichols Institute San Juan Capistrano); PubMed 31891871 (cited by Quest Diagnostics Nichols Institute San Juan Capistrano); PubMed 31159747 (cited by Quest Diagnostics Nichols Institute San Juan Capistrano).